The following is an entry in ClinVar:

ClinVar aggregate classification (germline): Uncertain significance (1 of 4 stars; one submission).

Allele frequency attached by ClinVar (database versions not stated): gnomAD exomes below 0.00001; TOPMed 0.00001.
gnomAD v4.1: 1 of 1,595,380 alleles (0.000063%); highest among the groups gnomAD compares: Non-Finnish European, 0.000086%; no homozygotes.

Submission:

Labcorp Genetics (formerly Invitae), Labcorp
Classification: Uncertain significance. Last evaluated: 2022-03-12. Review status: criteria provided, single submitter. Criteria: Invitae Variant Classification Sherloc (09022015). Collection method: clinical testing. Allele origin: germline.
Comment: In summary, the available evidence is currently insufficient to determine the role of this variant in disease. Therefore, it has been classified as a Variant of Uncertain Significance. Advanced modeling of protein sequence and biophysical properties (such as structural, functional, and spatial information, amino acid conservation, physicochemical variation, residue mobility, and thermodynamic stability) performed at Invitae indicates that this missense variant is expected to disrupt CACNA1B protein function. This variant has not been reported in the literature in individuals affected with CACNA1B-related conditions. This variant is not present in population databases (gnomAD no frequency). This sequence change replaces tyrosine, which is neutral and polar, with cysteine, which is neutral and slightly polar, at codon 1530 of the CACNA1B protein (p.Tyr1530Cys).

NM_000718.4(CACNA1B):c.4589A>G (p.Tyr1530Cys)

Gene: CACNA1B (calcium voltage-gated channel subunit alpha1 B; plus strand). Cytogenetic location: 9q34.3.
Variant type: single nucleotide variant.
Coding change: c.4589A>G on transcript NM_000718.4 (MANE Select); coding-DNA position 4589, A replaced by G.
Protein change: p.Tyr1530Cys; replaces tyrosine 1530 with cysteine.
Molecular consequence: missense variant.
Genome position (GRCh38, 1-based): chr9:138,059,658, A>G. VCF-style: chr9-138059658-A-G. GRCh37 (hg19) VCF-style: chr9-140954110-A-G.
Other names: c.4589A>G, p.Tyr1530Cys (NM_001243812.2); short protein forms Y1530C.
Identifiers: ClinVar variation 2110169 (VCV002110169.4), dbSNP rs1469736113, ClinGen allele CA375815248.